The following is an entry in ClinVar:

ClinVar aggregate classification (germline): Likely benign. Review status: criteria provided, multiple submitters, no conflicts (2 of 4 stars). 2 submissions from 2 submitters: Likely benign (2). Last evaluated 2022-08-21.

Allele frequency attached by ClinVar (database versions not stated): gnomAD 0.00001; TOPMed 0.00002; gnomAD exomes 0.00003 and 0.00004; ExAC 0.00005; ESP Exome Variant Server 0.00008.
gnomAD v4.1: 46 of 1,612,110 alleles (0.0029%); highest among the groups gnomAD compares: Non-Finnish European, 0.0037%; no homozygotes.

Submissions (2):

Labcorp Genetics (formerly Invitae), Labcorp
Classification: Likely benign. Last evaluated: 2022-08-21. Review status: criteria provided, single submitter. Criteria: Invitae Variant Classification Sherloc (09022015). Collection method: clinical testing. Allele origin: germline.

GeneDx
Classification: Likely benign. Last evaluated: 2017-02-28. Review status: criteria provided, single submitter. Criteria: GeneDx Variant Classification (06012015). Collection method: clinical testing. Allele origin: germline. Affected: yes.
Comment: This variant is considered likely benign or benign based on one or more of the following criteria: it is a conservative change, it occurs at a poorly conserved position in the protein, it is predicted to be benign by multiple in silico algorithms, and/or has population frequency not consistent with disease.

NM_024876.4(COQ8B):c.491-18G>C

Gene: COQ8B (coenzyme Q8B; minus strand). Cytogenetic location: 19q13.2.
Variant type: single nucleotide variant.
Coding change: c.491-18G>C on transcript NM_024876.4 (MANE Select); 18 bases into the intron before coding-DNA position 491, G replaced by C.
Molecular consequence: intron variant.
Genome position (GRCh38, 1-based): chr19:40,705,199, C>G on the plus strand (G>C on the coding strand, the complement: COQ8B is on the minus strand). VCF-style: chr19-40705199-C-G. GRCh37 (hg19) VCF-style: chr19-41211104-C-G.
Other names: c.368-18G>C (NM_001142555.3).
Identifiers: ClinVar variation 507532 (VCV000507532.8), dbSNP rs372213778, ClinGen allele CA9450387.